The following is an entry in ClinVar:

NM_198880.3(QRICH1):c.2048-1G>A

Gene: QRICH1 (glutamine rich 1; minus strand). Cytogenetic location: 3p21.31.
Variant type: single nucleotide variant.
Coding change: c.2048-1G>A on transcript NM_198880.3 (MANE Select); the canonical splice acceptor site of the intron before coding-DNA position 2048, G replaced by A.
Molecular consequence: splice acceptor variant.
Genome position (GRCh38, 1-based): chr3:49,032,274, C>T on the plus strand (G>A on the coding strand, the complement: QRICH1 is on the minus strand). VCF-style: chr3-49032274-C-T. GRCh37 (hg19) VCF-style: chr3-49069707-C-T.
Other names: c.2048-1G>A (NM_001320584.1, NM_001320585.1, NM_017730.4 and 4 more transcripts).
Identifiers: ClinVar variation 3775559 (VCV003775559.1).

ClinVar aggregate classification (germline): Likely pathogenic (1 of 4 stars; one submission).

Conditions:
Ververi-Brady syndrome. Identifiers: MedGen C4693824, MONDO:0979877, MONDO:0060707.

gnomAD v4.1: 2 of 1,606,566 alleles (0.00012%); highest among the groups gnomAD compares: Non-Finnish European, 0.00017%; no homozygotes.

Submission:

3billion
Classification: Likely pathogenic for Ververi-Brady syndrome 1. Last evaluated: 2023-12-03. Review status: criteria provided, single submitter. Criteria: ACMG Guidelines, 2015. Collection method: clinical testing. Allele origin: germline. Affected: yes.
Comment: The variant is not observed in the gnomAD v2.1.1 dataset. Predicted Consequence/Location: Canonical splice site: predicted to alter splicing and result in a loss or disruption of normal protein function. Multiple pathogenic loss-of-function variants are reported downstream of the variant. Damaging effect on gene or gene product predicted by in silico programs is uncertain [Splice AI: 0.95 (spliceogenicity >=0.2, non-spliceogenicity <0.1)]. Therefore, this variant is classified as Likely pathogenic according to the recommendation of ACMG/AMP guideline.